The following is an entry in ClinVar:

ClinVar aggregate classification (germline): Uncertain significance. Review status: criteria provided, multiple submitters, no conflicts (2 of 4 stars). 2 submissions from 2 submitters: Uncertain significance (2). Last evaluated 2026-03-03.

Conditions:
TRAP1-related disorder. Also called: TRAP1-related condition.

Allele frequency attached by ClinVar (database versions not stated): ExAC 0.00004; TOPMed 0.00004; gnomAD 0.00005; ESP Exome Variant Server 0.00008; gnomAD exomes 0.00009.
gnomAD v4.1: 134 of 1,613,952 alleles (0.0083%); highest among the groups gnomAD compares: Non-Finnish European, 0.011%; no homozygotes.

Submissions (2):

PreventionGenetics, part of Exact Sciences
Classification: Uncertain significance for TRAP1-related condition. Last evaluated: 2026-03-03. Review status: criteria provided, single submitter. Criteria: ACMG Guidelines, 2015. Collection method: clinical testing. Allele origin: germline.
Comment: The TRAP1 c.875T>C variant is predicted to result in the amino acid substitution p.Met292Thr. To our knowledge, this variant has not been reported in the literature. This variant is reported in 0.010% of alleles in individuals of European (Non-Finnish) descent in gnomAD. At this time, the clinical significance of this variant is uncertain due to the absence of conclusive functional and genetic evidence.

Ambry Genetics
Classification: Uncertain significance. Last evaluated: 2025-12-09. Review status: criteria provided, single submitter. Criteria: Ambry Variant Classification Scheme 2023. Collection method: clinical testing. Allele origin: germline.

NM_016292.3(TRAP1):c.875T>C (p.Met292Thr)

Gene: TRAP1 (TNF receptor associated protein 1; minus strand). Cytogenetic location: 16p13.3.
Variant type: single nucleotide variant.
Coding change: c.875T>C on transcript NM_016292.3 (MANE Select); coding-DNA position 875, T replaced by C.
Protein change: p.Met292Thr; replaces methionine 292 with threonine.
Molecular consequence: missense variant.
Genome position (GRCh38, 1-based): chr16:3,675,337, A>G on the plus strand (T>C on the coding strand, the complement: TRAP1 is on the minus strand). VCF-style: chr16-3675337-A-G. GRCh37 (hg19) VCF-style: chr16-3725338-A-G.
Other names: c.716T>C, p.Met239Thr (NM_001272049.2); short protein forms M292T, M239T.
Identifiers: ClinVar variation 3181935 (VCV003181935.3), dbSNP rs138084708, ClinGen allele CA7868443.